The following is an entry in ClinVar:

ClinVar aggregate classification (germline): Uncertain significance (1 of 4 stars; one submission).

Conditions:
PKD1-related disorder. Also called: PKD1-related condition.

Submission:

PreventionGenetics, part of Exact Sciences
Classification: Uncertain significance for PKD1-related condition. Last evaluated: 2025-04-27. Review status: criteria provided, single submitter. Criteria: ACMG Guidelines, 2015. Collection method: clinical testing. Allele origin: germline.
Comment: The PKD1 c.1915G>A variant is predicted to result in the amino acid substitution p.Ala639Thr. To our knowledge, this variant has not been reported in the literature. This variant is reported in 0.0034% of alleles in individuals of Latino descent in gnomAD. At this time, the clinical significance of this variant is uncertain due to the absence of conclusive functional and genetic evidence.

NM_001009944.3(PKD1):c.1915G>A (p.Ala639Thr)

Gene: PKD1 (polycystin 1, transient receptor potential channel interacting; minus strand). Cytogenetic location: 16p13.3.
Variant type: single nucleotide variant.
Coding change: c.1915G>A on transcript NM_001009944.3 (MANE Select); coding-DNA position 1915, G replaced by A.
Protein change: p.Ala639Thr; replaces alanine 639 with threonine.
Molecular consequence: missense variant.
Genome position (GRCh38, 1-based): chr16:2,115,560, C>T on the plus strand (G>A on the coding strand, the complement: PKD1 is on the minus strand). VCF-style: chr16-2115560-C-T. GRCh37 (hg19) VCF-style: chr16-2165561-C-T.
Other names: c.1915G>A, p.Ala639Thr (NM_000296.4); short protein forms A639T.
Identifiers: ClinVar variation 4988890 (VCV004988890.1).